The following is an entry in ClinVar:

NM_020831.6(MRTFA):c.2332A>G (p.Ser778Gly)

Gene: MRTFA (myocardin related transcription factor A; minus strand). Cytogenetic location: 22q13.1.
Variant type: single nucleotide variant.
Coding change: c.2332A>G on transcript NM_020831.6 (MANE Select); coding-DNA position 2332, A replaced by G.
Protein change: p.Ser778Gly; replaces serine 778 with glycine.
Molecular consequence: missense variant.
Genome position (GRCh38, 1-based): chr22:40,418,406, T>C on the plus strand (A>G on the coding strand, the complement: MRTFA is on the minus strand). VCF-style: chr22-40418406-T-C. GRCh37 (hg19) VCF-style: chr22-40814410-T-C.
Other names: c.2032A>G, p.Ser678Gly (NM_001282660.2); c.2182A>G, p.Ser728Gly (NM_001282661.3); c.2332A>G, p.Ser778Gly (NM_001282662.3); c.2137A>G, p.Ser713Gly (NM_001318139.2); short protein forms S713G, S678G, S728G, S778G.
Identifiers: ClinVar variation 2751784 (VCV002751784.3), dbSNP rs2517811268, ClinGen allele CA411657150.

ClinVar aggregate classification (germline): Uncertain significance (1 of 4 stars; one submission).

Submission:

Labcorp Genetics (formerly Invitae), Labcorp
Classification: Uncertain significance. Last evaluated: 2023-08-16. Review status: criteria provided, single submitter. Criteria: Invitae Variant Classification Sherloc (09022015). Collection method: clinical testing. Allele origin: germline.
Comment: This variant is not present in population databases (gnomAD no frequency). This sequence change replaces serine, which is neutral and polar, with glycine, which is neutral and non-polar, at codon 678 of the MKL1 protein (p.Ser678Gly). This variant has not been reported in the literature in individuals affected with MKL1-related conditions. Algorithms developed to predict the effect of missense changes on protein structure and function output the following: SIFT: "Not Available"; PolyPhen-2: "Benign"; Align-GVGD: "Not Available". The glycine amino acid residue is found in multiple mammalian species, which suggests that this missense change does not adversely affect protein function. In summary, the available evidence is currently insufficient to determine the role of this variant in disease. Therefore, it has been classified as a Variant of Uncertain Significance.